The following is an entry in ClinVar:

NM_020975.6(RET):c.2802A>T (p.Val934=)

Gene: RET (ret proto-oncogene; plus strand). Cytogenetic location: 10q11.21.
Variant type: single nucleotide variant.
Coding change: c.2802A>T on transcript NM_020975.6 (MANE Select); coding-DNA position 2802, A replaced by T.
Protein change: p.Val934=; no amino-acid change (valine 934 retained).
Molecular consequence: synonymous variant.
Genome position (GRCh38, 1-based): chr10:43,123,671, A>T. VCF-style: chr10-43123671-A-T. GRCh37 (hg19) VCF-style: chr10-43619119-A-T.
Other names: c.2802A>T, p.Val934= (NM_000323.2, NM_001406743.1, NM_001406744.1 and 4 more transcripts); c.2040A>T, p.Val680= (NM_001355216.2); c.2673A>T, p.Val891= (NM_001406761.1, NM_001406762.1, NM_001406764.1); c.2667A>T, p.Val889= (NM_001406763.1, NM_001406765.1); c.2514A>T, p.Val838= (NM_001406766.1, NM_001406767.1, NM_001406770.1); c.2538A>T, p.Val846= (NM_001406768.1); c.2406A>T, p.Val802= (NM_001406769.1, NM_001406772.1); c.2364A>T, p.Val788= (NM_001406771.1, NM_001406773.1); and 10 more.
Identifiers: ClinVar variation 1392049 (VCV001392049.7), dbSNP rs2133003717, ClinGen allele CA469030335.

ClinVar aggregate classification (germline): Uncertain significance (1 of 4 stars; one submission).

Conditions:
Multiple endocrine neoplasia, type 2 (MEN2). Identifiers: Orphanet 653, MedGen C4048306, MONDO:0019003. Disease mechanism: gain of function.

Submission:

Labcorp Genetics (formerly Invitae), Labcorp
Classification: Uncertain significance for Multiple endocrine neoplasia, type 2. Last evaluated: 2025-06-18. Review status: criteria provided, single submitter. Criteria: Invitae Variant Classification Sherloc (09022015). Collection method: clinical testing. Allele origin: germline.
Comment: This sequence change affects codon 934 of the RET mRNA. It is a 'silent' change, meaning that it does not change the encoded amino acid sequence of the RET protein. It affects a nucleotide within the consensus splice site. This variant is not present in population databases (gnomAD no frequency). This variant has not been reported in the literature in individuals affected with RET-related conditions. ClinVar contains an entry for this variant (Variation ID: 1392049). Algorithms developed to predict the effect of sequence changes on RNA splicing suggest that this variant is not likely to affect RNA splicing. In summary, the available evidence is currently insufficient to determine the role of this variant in disease. Therefore, it has been classified as a Variant of Uncertain Significance.